The following is an entry in ClinVar:

ClinVar aggregate classification (germline): Uncertain significance. Review status: criteria provided, multiple submitters, no conflicts (2 of 4 stars). 6 submissions from 6 submitters: Uncertain significance (5). 1 of the submissions does not count toward it. Last evaluated 2026-02-01.

Conditions:
Malignant hyperthermia, susceptibility to, 5 (MHS5). Also called: CACNA1S-Related Malignant Hyperthermia Susceptibility. Identifiers: Orphanet 423, MedGen C1866077, MONDO:0011163, OMIM 601887.
Hypokalemic periodic paralysis, type 1. Also called: HypoPP; Hypokalemic Periodic Paralysis Type 1 (AD). Identifiers: Orphanet 681, MedGen C3714580, MONDO:0042979, OMIM 170400.
Congenital myopathy 18. Also called: Myopathy, congenital, due to dihydropyridine receptor defect; DIHYDROPYRIDINE RECEPTOR CONGENITAL MYOPATHY; DHPR CONGENITAL MYOPATHY. Identifiers: MedGen C5830283, MONDO:0859514, OMIM 620246.
Thyrotoxic periodic paralysis, susceptibility to, 1 (TTPP1). Identifiers: Orphanet 79102, MedGen C2749982, MONDO:0008570, OMIM 188580.
Inborn genetic diseases. Identifiers: MedGen C0950123, MeSH D030342.

Allele frequency attached by ClinVar (database versions not stated): ExAC 0.00002; gnomAD 0.00004; gnomAD exomes 0.00005; TOPMed 0.00006.
gnomAD v4.1: 105 of 1,609,110 alleles (0.0065%); highest among the groups gnomAD compares: Non-Finnish European, 0.0086%; no homozygotes.

Submissions (6):

Labcorp Genetics (formerly Invitae), Labcorp
Classification: Uncertain significance for Hypokalemic periodic paralysis, type 1; Malignant hyperthermia, susceptibility to, 5. Last evaluated: 2026-02-01. Review status: criteria provided, single submitter. Criteria: Invitae Variant Classification Sherloc (09022015). Collection method: clinical testing. Allele origin: germline.
Comment: This sequence change replaces histidine, which is basic and polar, with proline, which is neutral and non-polar, at codon 1139 of the CACNA1S protein (p.His1139Pro). This variant is present in population databases (rs756628359, gnomAD 0.009%). This variant has not been reported in the literature in individuals affected with CACNA1S-related conditions. ClinVar contains an entry for this variant (Variation ID: 374942). Invitae Evidence Modeling of protein sequence and biophysical properties (such as structural, functional, and spatial information, amino acid conservation, physicochemical variation, residue mobility, and thermodynamic stability) has been performed for this missense variant. However, the output from this modeling did not meet the statistical confidence thresholds required to predict the impact of this variant on CACNA1S protein function. In summary, the available evidence is currently insufficient to determine the role of this variant in disease. Therefore, it has been classified as a Variant of Uncertain Significance.

Ambry Genetics
Classification: Uncertain significance for Inborn genetic diseases. Last evaluated: 2025-08-10. Review status: criteria provided, single submitter. Criteria: Ambry Variant Classification Scheme 2023. Collection method: clinical testing. Allele origin: germline.

GeneDx
Classification: Uncertain significance. Last evaluated: 2025-01-31. Review status: criteria provided, single submitter. Criteria: GeneDx Variant Classification Process June 2021. Collection method: clinical testing. Allele origin: germline. Affected: yes.
Comment: In silico analysis supports that this missense variant has a deleterious effect on protein structure/function; Has not been previously published as pathogenic or benign to our knowledge

Color Diagnostics, LLC DBA Color Health
Classification: Uncertain significance for Malignant hyperthermia, susceptibility to, 5. Last evaluated: 2024-06-14. Review status: criteria provided, single submitter. Criteria: ACMG Guidelines, 2015. Collection method: clinical testing. Allele origin: germline.
Comment: This missense variant replaces histidine with proline at codon 1139 of the CACNA1S protein. Computational prediction suggests that this variant may have deleterious impact on protein structure and function. To our knowledge, functional studies have not been reported for this variant. This variant has not been reported in individuals affected with CACNA1S-related disorders in the literature. This variant has been identified in 12/251274 chromosomes in the general population by the Genome Aggregation Database (gnomAD). The available evidence is insufficient to determine the role of this variant in disease conclusively. Therefore, this variant is classified as a Variant of Uncertain Significance.

Fulgent Genetics
Classification: Uncertain significance for Hypokalemic periodic paralysis, type 1; Thyrotoxic periodic paralysis, susceptibility to, 1; Malignant hyperthermia, susceptibility to, 5; Congenital myopathy 18. Last evaluated: 2024-03-04. Review status: criteria provided, single submitter. Criteria: ACMG Guidelines, 2015. Collection method: clinical testing. Allele origin: germline.

Knight Diagnostic Laboratories, Oregon Health and Sciences University
Classification: Uncertain significance for Malignant hyperthermia, susceptibility to, 5. Last evaluated: 2015-12-04. Review status: no assertion criteria provided. Criteria: ACMG Guidelines, 2015. Collection method: clinical testing. Allele origin: germline. Affected: no. Study: CSER-NextGen. Not counted in ClinVar's aggregate classification.

NM_000069.3(CACNA1S):c.3416A>C (p.His1139Pro)

Gene: CACNA1S (calcium voltage-gated channel subunit alpha1 S; minus strand). Cytogenetic location: 1q32.1.
Variant type: single nucleotide variant.
Coding change: c.3416A>C on transcript NM_000069.3 (MANE Select); coding-DNA position 3416, A replaced by C.
Protein change: p.His1139Pro; replaces histidine 1139 with proline.
Molecular consequence: missense variant.
Genome position (GRCh38, 1-based): chr1:201,059,298, T>G on the plus strand (A>C on the coding strand, the complement: CACNA1S is on the minus strand). VCF-style: chr1-201059298-T-G. GRCh37 (hg19) VCF-style: chr1-201028426-T-G.
Other names: short protein forms H1139P.
Identifiers: ClinVar variation 374942 (VCV000374942.11), dbSNP rs756628359, ClinGen allele CA082546.